The following is an entry in ClinVar:

ClinVar aggregate classification (germline): Pathogenic/Likely pathogenic. Review status: criteria provided, multiple submitters, no conflicts (2 of 4 stars). 2 submissions from 2 submitters: Pathogenic (1); Likely pathogenic (1). Last evaluated 2026-07-23.

Conditions:
Inborn genetic diseases. Identifiers: MedGen C0950123, MeSH D030342.

gnomAD v4.1: 1 of 1,593,160 alleles (0.000063%); highest among the groups gnomAD compares: Non-Finnish European, 0.000085%; no homozygotes.

Submissions (2):

GeneDx
Classification: Likely pathogenic. Last evaluated: 2026-07-23. Review status: criteria provided, single submitter. Criteria: GeneDx Variant Classification Process June 2021. Collection method: clinical testing. Allele origin: germline.
Comment: Identified in an individual from a cohort of patients with neurodevelopmental disorders, however further clinical information was not provided (PMID: 28191890); Nonsense variant predicted to result in protein truncation or nonsense mediated decay in a gene for which loss of function is a known mechanism of disease; Not observed at significant frequency in large population cohorts (gnomAD); This variant is associated with the following publications: (PMID: 28191890)

Ambry Genetics
Classification: Pathogenic for Inborn genetic diseases. Last evaluated: 2025-03-14. Review status: criteria provided, single submitter. Criteria: Ambry Variant Classification Scheme 2023. Collection method: clinical testing. Allele origin: germline.
Comment: The c.3787G>T (p.E1263*) alteration, located in exon 26 (coding exon 26) of the MED12L gene, consists of a G to T substitution at nucleotide position 3787. This changes the amino acid from a glutamic acid (E) to a stop codon at amino acid position 1263. This alteration is expected to result in loss of function by premature protein truncation or nonsense-mediated mRNA decay. The MED12L c.3787G>T (p.E1263*) alteration was flagged as a low confidence call in the Genome Aggregation Database (gnomAD). This variant was reported in an individual in an autism spectrum disease cohort but clinical details were limited (Kosmicki, 2017). Based on the available evidence, this alteration is classified as pathogenic.

Literature cited by the submitters: PubMed 28191890 (cited by Ambry Genetics).

NM_001393769.1(MED12L):c.3892G>T (p.Glu1298Ter)

Genes: MED12L (mediator complex subunit 12L; plus strand), P2RY12 (purinergic receptor P2Y12; minus strand). Cytogenetic location: 3q25.1.
Variant type: single nucleotide variant.
Coding change: c.3892G>T on transcript NM_001393769.1 (MANE Select); coding-DNA position 3892, G replaced by T.
Protein change: p.Glu1298Ter; replaces glutamic acid 1298 with a stop codon.
Molecular consequence: nonsense. On other transcripts: intron variant (1).
Genome position (GRCh38, 1-based): chr3:151,376,053, G>T. VCF-style: chr3-151376053-G-T. GRCh37 (hg19) VCF-style: chr3-151093841-G-T.
Other names: c.3787G>T (NM_053002.4); c.3787G>T, p.Glu1263Ter (NM_053002.6); c.-180+8639C>A (NM_022788.5); short protein forms E1263*, E1298*.
Identifiers: ClinVar variation 3764167 (VCV003764167.3).